The following is an entry in ClinVar:

ClinVar aggregate classification (germline): Pathogenic (1 of 4 stars; one submission).

Allele frequency attached by ClinVar (database versions not stated): gnomAD exomes below 0.00001.
gnomAD v4.1: 1 of 1,613,932 alleles (0.000062%); highest among the groups gnomAD compares: Non-Finnish European, 0.000085%; no homozygotes.

Submission:

Labcorp Genetics (formerly Invitae), Labcorp
Classification: Pathogenic. Last evaluated: 2022-08-13. Review status: criteria provided, single submitter. Criteria: Invitae Variant Classification Sherloc (09022015). Collection method: clinical testing. Allele origin: germline.
Comment: For these reasons, this variant has been classified as Pathogenic. Algorithms developed to predict the effect of sequence changes on RNA splicing suggest that this variant may disrupt the consensus splice site. This variant has not been reported in the literature in individuals affected with RINT1-related conditions. This variant is not present in population databases (gnomAD no frequency). This sequence change creates a premature translational stop signal (p.Gln504*) in the RINT1 gene. It is expected to result in an absent or disrupted protein product. Loss-of-function variants in RINT1 are known to be pathogenic (PMID: 31204009).

Literature cited by the submitters: PubMed 31204009.

NM_021930.6(RINT1):c.1510C>T (p.Gln504Ter)

Gene: RINT1 (RAD50 interactor 1; plus strand). Cytogenetic location: 7q22.3.
Variant type: single nucleotide variant.
Coding change: c.1510C>T on transcript NM_021930.6 (MANE Select); coding-DNA position 1510, C replaced by T.
Protein change: p.Gln504Ter; replaces glutamine 504 with a stop codon.
Molecular consequence: nonsense.
Genome position (GRCh38, 1-based): chr7:105,555,066, C>T. VCF-style: chr7-105555066-C-T. GRCh37 (hg19) VCF-style: chr7-105195513-C-T.
Other names: c.1276C>T, p.Gln426Ter (NM_001346599.2); c.487C>T, p.Gln163Ter (NM_001346600.2, NM_001346603.2); c.586C>T, p.Gln196Ter (NM_001346601.2); short protein forms Q163*, Q426*, Q504*, Q196*.
Identifiers: ClinVar variation 2037932 (VCV002037932.4), dbSNP rs2485149361, ClinGen allele CA368811351.